The following is an entry in ClinVar:

ClinVar aggregate classification (germline): Likely benign. Review status: criteria provided, multiple submitters, no conflicts (2 of 4 stars). 2 submissions from 2 submitters: Likely benign (2). Last evaluated 2026-06-22.

Conditions:
RPGRIP1L-related disorder. Also called: RPGRIP1L-related condition; RPGRIP1L-related disorders. Identifiers: MedGen CN239416.
Meckel-Gruber syndrome. Also called: DYSENCEPHALIA SPLANCHNOCYSTICA; Dysencephalia splachnocystica; GRUBER SYNDROME. Identifiers: Orphanet 564, MedGen C0265215, MONDO:0018921.
Joubert syndrome. Also called: Familial aplasia of the vermis; JOUBERT-BOLTSHAUSER SYNDROME. Identifiers: Orphanet 475, MedGen C5979921, MONDO:0018772.

gnomAD v4.1: 2 of 1,611,164 alleles (0.00012%); highest among the groups gnomAD compares: Non-Finnish European, 0.00017%; no homozygotes.

Submissions (2):

PreventionGenetics, part of Exact Sciences
Classification: Likely benign for RPGRIP1L-related condition. Last evaluated: 2026-06-22. Review status: criteria provided, single submitter. Criteria: ACMG Guidelines, 2015. Collection method: clinical testing. Allele origin: germline.
Comment: This variant is classified as likely benign based on ACMG/AMP sequence variant interpretation guidelines (Richards et al. 2015 PMID: 25741868, with internal and published modifications).

Labcorp Genetics (formerly Invitae), Labcorp
Classification: Likely benign for Joubert syndrome; Meckel-Gruber syndrome. Last evaluated: 2026-01-19. Review status: criteria provided, single submitter. Criteria: Invitae Variant Classification Sherloc (09022015). Collection method: clinical testing. Allele origin: germline.

NM_015272.5(RPGRIP1L):c.3192A>G (p.Thr1064=)

Gene: RPGRIP1L (RPGRIP1 like; minus strand). Cytogenetic location: 16q12.2.
Variant type: single nucleotide variant.
Coding change: c.3192A>G on transcript NM_015272.5 (MANE Select); coding-DNA position 3192, A replaced by G.
Protein change: p.Thr1064=; no amino-acid change (threonine 1064 retained).
Molecular consequence: synonymous variant.
Genome position (GRCh38, 1-based): chr16:53,637,723, T>C on the plus strand (A>G on the coding strand, the complement: RPGRIP1L is on the minus strand). VCF-style: chr16-53637723-T-C. GRCh37 (hg19) VCF-style: chr16-53671635-T-C.
Other names: c.3192A>G (NM_015272.4); c.3090A>G, p.Thr1030= (NM_001127897.4, NM_001330538.2); c.3192A>G, p.Thr1064= (NM_001308334.3).
Identifiers: ClinVar variation 1121327 (VCV001121327.10), dbSNP rs956639777, ClinGen allele CA281369179.